The following is an entry in ClinVar:

NM_004840.3(ARHGEF6):c.2170G>A (p.Glu724Lys)

Gene: ARHGEF6 (Rac/Cdc42 guanine nucleotide exchange factor 6; minus strand). Cytogenetic location: Xq26.3.
Variant type: single nucleotide variant.
Coding change: c.2170G>A on transcript NM_004840.3 (MANE Select); coding-DNA position 2170, G replaced by A.
Protein change: p.Glu724Lys; replaces glutamic acid 724 with lysine.
Molecular consequence: missense variant.
Genome position (GRCh38, 1-based): chrX:136,669,502, C>T on the plus strand (G>A on the coding strand, the complement: ARHGEF6 is on the minus strand). VCF-style: chrX-136669502-C-T. GRCh37 (hg19) VCF-style: chrX-135751661-C-T.
Other names: c.1708G>A, p.Glu570Lys (NM_001306177.2); short protein forms E724K, E570K.
Identifiers: ClinVar variation 373329 (VCV000373329.1), dbSNP rs373225685, ClinGen allele CA10528218.
Genomic context (GRCh38, chrX:136,669,502, plus strand): 5'-TGGTTCTATTACCCGAGAAAATGATTTTATATTTTATTACCTGCTTCAGTTCTCTGACCT[C>T]GTCCTTCAAGGCGTAAACAGTATCAACAAGGCTCCTAGAAAATAAAGATAAAATTCAGAG-3'
Protein context (NP_004831.1, residues 714-734): LVDTVYALKD[Glu724Lys]VRELKQENKR

ClinVar aggregate classification (germline): Uncertain significance (1 of 4 stars; one submission).

Allele frequency attached by ClinVar (database versions not stated): gnomAD exomes 0.00001; ESP Exome Variant Server 0.00009; TOPMed 0.00001; gnomAD 0.00001; ExAC 0.00002.
gnomAD v4.1: 11 of 1,207,740 alleles (0.00091%); highest among the groups gnomAD compares: African/African-American, 0.0053%; no homozygotes.

Submission:

GeneDx
Classification: Uncertain significance. Last evaluated: 2016-11-21. Review status: criteria provided, single submitter. Criteria: GeneDx Variant Classification (06012015). Collection method: clinical testing. Allele origin: germline. Affected: yes.
Comment: The E724K variant in the ARHGEF6 gene has not been reported previously as a pathogenic variant, nor as a benign variant, to our knowledge. The E724K variant was not observed at any significant frequency in approximately 6,500 individuals of European and African American ancestry in the NHLBI Exome Sequencing Project, indicating it is not a common benign variant in these populations. The E724K variant is a non-conservative amino acid substitution, which is likely to impact secondary protein structure as these residues differ in polarity, charge, size and/or other properties. This substitution occurs at a position that is conserved across species. In silico analysis is inconsistent in its predictions as to whether or not the variant is damaging to the protein structure/function. As an alternate mechanism, multiple in silico algorithms predict that c.2170G>A (aka E724K) might create a cryptic donor site in intron 21 which may supplant the natural donor site. We interpret E724K as a variant of uncertain significance.